The following is an entry in ClinVar:

ClinVar aggregate classification (germline): Conflicting classifications of pathogenicity. Review status: criteria provided, conflicting classifications (1 of 4 stars). 2 submissions from 2 submitters: Uncertain significance (1); Likely benign (1). Last evaluated 2026-07-03.

Conditions:
Inborn genetic diseases. Identifiers: MedGen C0950123, MeSH D030342.

Allele frequency attached by ClinVar (database versions not stated): 1000 Genomes Project 30x 0.00016; 1000 Genomes Project 0.00020.
gnomAD v4.1: 6 of 1,614,222 alleles (0.00037%); highest among the groups gnomAD compares: Admixed American, 0.0067%; no homozygotes.

Submissions (2):

Ambry Genetics
Classification: Likely benign for Inborn genetic diseases. Last evaluated: 2026-07-03. Review status: criteria provided, single submitter. Criteria: Ambry Variant Classification Scheme 2023. Collection method: clinical testing. Allele origin: germline.

Labcorp Genetics (formerly Invitae), Labcorp
Classification: Uncertain significance. Last evaluated: 2026-01-07. Review status: criteria provided, single submitter. Criteria: Invitae Variant Classification Sherloc (09022015). Collection method: clinical testing. Allele origin: germline.
Comment: This sequence change replaces serine, which is neutral and polar, with glycine, which is neutral and non-polar, at codon 467 of the LEMD3 protein (p.Ser467Gly). This variant is not present in population databases (gnomAD no frequency). This variant has not been reported in the literature in individuals affected with LEMD3-related conditions. ClinVar contains an entry for this variant (Variation ID: 2899472). Invitae Evidence Modeling of protein sequence and biophysical properties (such as structural, functional, and spatial information, amino acid conservation, physicochemical variation, residue mobility, and thermodynamic stability) indicates that this missense variant is not expected to disrupt LEMD3 protein function with a negative predictive value of 80%. In summary, the available evidence is currently insufficient to determine the role of this variant in disease. Therefore, it has been classified as a Variant of Uncertain Significance.

NM_014319.5(LEMD3):c.1399A>G (p.Ser467Gly)

Gene: LEMD3 (LEM domain containing 3; plus strand). Cytogenetic location: 12q14.3.
Variant type: single nucleotide variant.
Coding change: c.1399A>G on transcript NM_014319.5 (MANE Select); coding-DNA position 1399, A replaced by G.
Protein change: p.Ser467Gly; replaces serine 467 with glycine.
Molecular consequence: missense variant.
Genome position (GRCh38, 1-based): chr12:65,170,995, A>G. VCF-style: chr12-65170995-A-G. GRCh37 (hg19) VCF-style: chr12-65564775-A-G.
Other names: c.1399A>G (NM_014319.4); c.1399A>G, p.Ser467Gly (NM_001167614.2); short protein forms S467G.
Identifiers: ClinVar variation 2899472 (VCV002899472.4), dbSNP rs199915804, ClinGen allele CA238907756.